The following is an entry in ClinVar:

ClinVar aggregate classification (germline): Uncertain significance (1 of 4 stars; one submission).

Allele frequency attached by ClinVar (database versions not stated): gnomAD exomes below 0.00001.
gnomAD v4.1: 3 of 1,611,374 alleles (0.00019%); highest among the groups gnomAD compares: Non-Finnish European, 0.00017%; no homozygotes.

Submission:

Labcorp Genetics (formerly Invitae), Labcorp
Classification: Uncertain significance. Last evaluated: 2023-12-18. Review status: criteria provided, single submitter. Criteria: Invitae Variant Classification Sherloc (09022015). Collection method: clinical testing. Allele origin: germline.
Comment: This sequence change replaces serine, which is neutral and polar, with glycine, which is neutral and non-polar, at codon 1047 of the NLRP1 protein (p.Ser1047Gly). This variant is not present in population databases (gnomAD no frequency). This variant has not been reported in the literature in individuals affected with NLRP1-related conditions. ClinVar contains an entry for this variant (Variation ID: 1435456). Algorithms developed to predict the effect of missense changes on protein structure and function output the following: SIFT: "Not Available"; PolyPhen-2: "Benign"; Align-GVGD: "Not Available". The glycine amino acid residue is found in multiple mammalian species, which suggests that this missense change does not adversely affect protein function. In summary, the available evidence is currently insufficient to determine the role of this variant in disease. Therefore, it has been classified as a Variant of Uncertain Significance.

NM_033004.4(NLRP1):c.3139A>G (p.Ser1047Gly)

Gene: NLRP1 (NLR family pyrin domain containing 1; minus strand). Cytogenetic location: 17p13.2.
Variant type: single nucleotide variant.
Coding change: c.3139A>G on transcript NM_033004.4 (MANE Select); coding-DNA position 3139, A replaced by G.
Protein change: p.Ser1047Gly; replaces serine 1047 with glycine.
Molecular consequence: missense variant.
Genome position (GRCh38, 1-based): chr17:5,532,979, T>C on the plus strand (A>G on the coding strand, the complement: NLRP1 is on the minus strand). VCF-style: chr17-5532979-T-C. GRCh37 (hg19) VCF-style: chr17-5436299-T-C.
Other names: c.3151A>G, p.Ser1051Gly (NM_001033053.3); c.3139A>G, p.Ser1047Gly (NM_014922.5); c.3049A>G, p.Ser1017Gly (NM_033006.4, NM_033007.4); short protein forms S1017G, S1047G, S1051G.
Identifiers: ClinVar variation 1435456 (VCV001435456.6), dbSNP rs1910510378, ClinGen allele CA397391747.